The following is an entry in ClinVar:

ClinVar aggregate classification (germline): Likely pathogenic (1 of 4 stars; one submission).

Conditions:
Autosomal recessive limb-girdle muscular dystrophy type 2J (LGMDR10). Also called: Limb-girdle muscular dystrophy, type 2J; MUSCULAR DYSTROPHY, LIMB-GIRDLE, AUTOSOMAL RECESSIVE 10. Identifiers: Orphanet 140922, MedGen C1837342, MONDO:0012127, OMIM 608807.
Dilated cardiomyopathy 1G (CMD1G). Identifiers: Orphanet 154, MedGen C1858763, MONDO:0011400, OMIM 604145.

Submission:

Labcorp Genetics (formerly Invitae), Labcorp
Classification: Likely pathogenic for Dilated cardiomyopathy 1G; Autosomal recessive limb-girdle muscular dystrophy type 2J. Last evaluated: 2023-12-12. Review status: criteria provided, single submitter. Criteria: Invitae Variant Classification Sherloc (09022015). Collection method: clinical testing. Allele origin: germline.
Comment: This sequence change creates a premature translational stop signal (p.Arg31255Thrfs*2) in the TTN gene. While this is not anticipated to result in nonsense mediated decay, it is expected to create a truncated TTN protein. This variant is not present in population databases (gnomAD no frequency). This variant has not been reported in the literature in individuals affected with TTN-related conditions. This variant is located in the A band of TTN (PMID: 25589632). Truncating variants in this region are significantly overrepresented in patients affected with dilated cardiomyopathy (PMID: 25589632). Truncating variants in this region have also been reported in individuals affected with autosomal recessive centronuclear myopathy (PMID: 23975875). In summary, the currently available evidence indicates that the variant is pathogenic, but additional data are needed to prove that conclusively. Therefore, this variant has been classified as Likely Pathogenic.

Literature cited by the submitters: PubMed 25589632; PubMed 23975875.

NM_001267550.2(TTN):c.93764_93765del (p.Arg31255fs)

Genes: TTN-AS1 (TTN antisense RNA 1; plus strand), TTN (titin; minus strand). Cytogenetic location: 2q31.2.
Variant type: Microsatellite.
Coding change: c.93764_93765del on transcript NM_001267550.2 (MANE Select); coding-DNA positions 93764 to 93765, 2 bases deleted (GA; older notation c.93764_93765delGA).
Protein change: p.Arg31255fs; shifts the reading frame from arginine 31255.
Molecular consequence: frameshift variant.
Genome position (GRCh38, 1-based): chr2:178,547,861-178,547,862, TC deleted on the plus strand (GA on the coding strand, the reverse complement: TTN is on the minus strand); deleting any 2 consecutive bases within chr2:178,547,861-178,547,864 gives the same sequence; the c. name uses the placement nearest the transcript's 3' end. VCF-style (leftmost placement, unchanged base first): chr2-178547860-GTC-G. GRCh37 (hg19) VCF-style: chr2-179412587-GTC-G.
Other names: c.88841_88842del, p.Arg29614fs (NM_001256850.1); c.66569_66570del, p.Arg22190fs (NM_003319.4); c.86060_86061del, p.Arg28687fs (NM_133378.4); c.66944_66945del, p.Arg22315fs (NM_133432.3); c.67145_67146del, p.Arg22382fs (NM_133437.4); short protein forms R22315fs, R31255fs, R29614fs, R28687fs, R22190fs, R22382fs.
Identifiers: ClinVar variation 2933567 (VCV002933567.3), dbSNP rs2469107932, ClinGen allele CA2586965176.